The following is an entry in ClinVar:

NM_000080.4(CHRNE):c.1416C>T (p.Leu472=)

Gene: CHRNE (cholinergic receptor nicotinic epsilon subunit; minus strand). Cytogenetic location: 17p13.2.
Variant type: single nucleotide variant.
Coding change: c.1416C>T on transcript NM_000080.4 (MANE Select); coding-DNA position 1416, C replaced by T.
Protein change: p.Leu472=; no amino-acid change (leucine 472 retained).
Molecular consequence: synonymous variant.
Genome position (GRCh38, 1-based): chr17:4,898,802, G>A on the plus strand (C>T on the coding strand, the complement: CHRNE is on the minus strand). VCF-style: chr17-4898802-G-A. GRCh37 (hg19) VCF-style: chr17-4802097-G-A.
Other names: c.1416C>T, p.Leu472= (LRG_1254t1).
Identifiers: ClinVar variation 254892 (VCV000254892.20), dbSNP rs145456588, ClinGen allele CA8313828.
Genomic context (GRCh38, chr17:4,898,802, plus strand): 5'-CTGGATACACGGCGCGTAGGGGAGATCAGGCACTCGGTTGAAGTAGGCCCCGAGGAAGAT[G>A]AGGCTGGAGCCCACGCTGAAGAGCACCAGAGCGGCCCAGAAGCAGATGTTGTCAAGGGCA-3'
Protein context (NP_000071.1, residues 462-482): ALVLFSVGSS[Leu472=]IFLGAYFNRV

ClinVar aggregate classification (germline): Conflicting classifications of pathogenicity. Review status: criteria provided, conflicting classifications (1 of 4 stars). 5 submissions from 5 submitters: Uncertain significance (1); Benign (1); Likely benign (1). 2 of the submissions do not count toward it. Last evaluated 2026-01-26.

Conditions:
CHRNE-related disorder. Also called: CHRNE-related condition.
Congenital myasthenic syndrome (CMS). Also called: Congenital Myasthenic Syndromes. Identifiers: Orphanet 590, MedGen C0751882, MeSH D020294, MONDO:0018940.
Congenital myasthenic syndrome 4A. Also called: Myasthenic syndrome, congenital, 4a, slow-channel; MYASTHENIC SYNDROME, CONGENITAL, 4A, SLOW-CHANNEL, AUTOSOMAL RECESSIVE; CONGENITAL MYASTHENIC SYNDROME TYPE Ia1. Identifiers: Orphanet 590, MedGen C4225413, MONDO:0011600, OMIM 605809.

Allele frequency attached by ClinVar (database versions not stated): 1000 Genomes Project 30x 0.00031; 1000 Genomes Project 0.00040; ESP Exome Variant Server 0.00054; TOPMed 0.00080; gnomAD 0.00126 and 0.00133; gnomAD exomes 0.00143 and 0.00148; ExAC 0.00183.
gnomAD v4.1: 2,334 of 1,607,310 alleles (0.15%); highest among the groups gnomAD compares: Non-Finnish European, 0.14%; 4 homozygotes.

Submissions (5):

Labcorp Genetics (formerly Invitae), Labcorp
Classification: Benign for Congenital myasthenic syndrome 4A. Last evaluated: 2026-01-26. Review status: criteria provided, single submitter. Criteria: Invitae Variant Classification Sherloc (09022015). Collection method: clinical testing. Allele origin: germline.

Blueprint Genetics
Classification: Likely benign. Last evaluated: 2024-11-22. Review status: criteria provided, single submitter. Criteria: ACMG Guidelines, 2015. Collection method: clinical testing. Allele origin: germline.

Illumina Laboratory Services, Illumina
Classification: Uncertain significance for Congenital myasthenic syndrome. Last evaluated: 2018-01-13. Review status: criteria provided, single submitter. Criteria: ICSL Variant Classification Criteria 13 December 2019. Collection method: clinical testing. Allele origin: germline.

PreventionGenetics, part of Exact Sciences
Classification: Benign for CHRNE-related condition. Last evaluated: 2021-12-29. Review status: no assertion criteria provided. Collection method: clinical testing. Allele origin: germline. Not counted in ClinVar's aggregate classification.
Comment: This variant is classified as benign based on ACMG/AMP sequence variant interpretation guidelines (Richards et al. 2015 PMID: 25741868, with internal and published modifications).

Natera, Inc.
Classification: Benign for Congenital myasthenic syndrome. Last evaluated: 2020-09-16. Review status: no assertion criteria provided. Collection method: clinical testing. Allele origin: germline. Not counted in ClinVar's aggregate classification.